The following is an entry in ClinVar:

ClinVar aggregate classification (germline): Benign/Likely benign. Review status: criteria provided, multiple submitters, no conflicts (2 of 4 stars). 4 submissions from 4 submitters: Benign (2); Likely benign (1). 1 of the submissions does not count toward it. Last evaluated 2026-01-24.

Conditions:
D-2-hydroxyglutaric aciduria 2 (D2HGA2). Identifiers: Orphanet 79315, MedGen C3150909, MONDO:0013345, OMIM 613657.
IDH2-related disorder. Also called: IDH2-related condition.

Allele frequency attached by ClinVar (database versions not stated): ESP Exome Variant Server 0.00046; gnomAD exomes 0.00198 and 0.00508; TOPMed 0.00278; gnomAD 0.00280; ExAC 0.00490; 1000 Genomes Project 30x 0.00874; 1000 Genomes Project 0.00978.
gnomAD v4.1: 3,422 of 1,613,994 alleles (0.21%); highest among the groups gnomAD compares: East Asian, 6.2%; 112 homozygotes.

Submissions (4):

Labcorp Genetics (formerly Invitae), Labcorp
Classification: Benign for D-2-hydroxyglutaric aciduria 2. Last evaluated: 2026-01-24. Review status: criteria provided, single submitter. Criteria: Invitae Variant Classification Sherloc (09022015). Collection method: clinical testing. Allele origin: germline.

GeneDx
Classification: Benign. Last evaluated: 2021-05-05. Review status: criteria provided, single submitter. Criteria: GeneDx Variant Classification Process June 2021. Collection method: clinical testing. Allele origin: germline. Affected: yes.

Genetic Services Laboratory, University of Chicago
Classification: Likely benign. Last evaluated: 2013-10-31. Review status: criteria provided, single submitter. Criteria: ACMG Guidelines, 2007. Collection method: clinical testing. Allele origin: germline. Inheritance: Autosomal dominant inheritance.
Comment: Likely benign based on allele frequency in 1000 Genomes Project or ESP global frequency and its presence in a patient with a rare or unrelated disease phenotype. NOT Sanger confirmed

PreventionGenetics, part of Exact Sciences
Classification: Benign for IDH2-related condition. Last evaluated: 2019-05-15. Review status: no assertion criteria provided. Collection method: clinical testing. Allele origin: germline. Not counted in ClinVar's aggregate classification.
Comment: This variant is classified as benign based on ACMG/AMP sequence variant interpretation guidelines (Richards et al. 2015 PMID: 25741868, with internal and published modifications).

NM_002168.4(IDH2):c.939A>G (p.Gly313=)

Gene: IDH2 (isocitrate dehydrogenase (NADP(+)) 2; minus strand). Cytogenetic location: 15q26.1.
Variant type: single nucleotide variant.
Coding change: c.939A>G on transcript NM_002168.4 (MANE Select); coding-DNA position 939, A replaced by G.
Protein change: p.Gly313=; no amino-acid change (glycine 313 retained).
Molecular consequence: synonymous variant.
Genome position (GRCh38, 1-based): chr15:90,087,140, T>C on the plus strand (A>G on the coding strand, the complement: IDH2 is on the minus strand). VCF-style: chr15-90087140-T-C. GRCh37 (hg19) VCF-style: chr15-90630372-T-C.
Other names: c.783A>G, p.Gly261= (NM_001289910.1); c.549A>G, p.Gly183= (NM_001290114.2).
Identifiers: ClinVar variation 158667 (VCV000158667.20), dbSNP rs16943901, ClinGen allele CA172301.